The following is an entry in ClinVar:

NM_000069.3(CACNA1S):c.3796G>A (p.Ala1266Thr)

Gene: CACNA1S (calcium voltage-gated channel subunit alpha1 S; minus strand). Cytogenetic location: 1q32.1.
Variant type: single nucleotide variant.
Coding change: c.3796G>A on transcript NM_000069.3 (MANE Select); coding-DNA position 3796, G replaced by A.
Protein change: p.Ala1266Thr; replaces alanine 1266 with threonine.
Molecular consequence: missense variant.
Genome position (GRCh38, 1-based): chr1:201,053,274, C>T on the plus strand (G>A on the coding strand, the complement: CACNA1S is on the minus strand). VCF-style: chr1-201053274-C-T. GRCh37 (hg19) VCF-style: chr1-201022402-C-T.
Other names: short protein forms A1266T.
Identifiers: ClinVar variation 1520011 (VCV001520011.8), dbSNP rs2102561728, ClinGen allele CA344153856.

ClinVar aggregate classification (germline): Uncertain significance (1 of 4 stars; one submission).

Conditions:
Malignant hyperthermia, susceptibility to, 5 (MHS5). Also called: CACNA1S-Related Malignant Hyperthermia Susceptibility. Identifiers: Orphanet 423, MedGen C1866077, MONDO:0011163, OMIM 601887.
Hypokalemic periodic paralysis, type 1. Also called: HypoPP; Hypokalemic Periodic Paralysis Type 1 (AD). Identifiers: Orphanet 681, MedGen C3714580, MONDO:0042979, OMIM 170400.

Allele frequency attached by ClinVar (database versions not stated): gnomAD exomes below 0.00001.
gnomAD v4.1: 1 of 1,614,158 alleles (0.000062%); highest among the groups gnomAD compares: Non-Finnish European, 0.000085%; no homozygotes.

Submission:

Labcorp Genetics (formerly Invitae), Labcorp
Classification: Uncertain significance for Hypokalemic periodic paralysis, type 1; Malignant hyperthermia, susceptibility to, 5. Last evaluated: 2021-03-26. Review status: criteria provided, single submitter. Criteria: Invitae Variant Classification Sherloc (09022015). Collection method: clinical testing. Allele origin: germline.
Comment: Algorithms developed to predict the effect of missense changes on protein structure and function (SIFT, PolyPhen-2, Align-GVGD) all suggest that this variant is likely to be disruptive, but these predictions have not been confirmed by published functional studies and their clinical significance is uncertain. In summary, the available evidence is currently insufficient to determine the role of this variant in disease. Therefore, it has been classified as a Variant of Uncertain Significance. This variant has not been reported in the literature in individuals with CACNA1S-related conditions. This variant is not present in population databases (ExAC no frequency). This sequence change replaces alanine with threonine at codon 1266 of the CACNA1S protein (p.Ala1266Thr). The alanine residue is highly conserved and there is a small physicochemical difference between alanine and threonine.